The following is an entry in ClinVar:

ClinVar aggregate classification (germline): Uncertain significance (1 of 4 stars; one submission).

Conditions:
Idiopathic generalized epilepsy. Also called: EIG; Generalised epilepsy. Identifiers: MedGen C0270850, MONDO:0005579, OMIM 600669.
Hyperaldosteronism, familial, type IV (HALD4). Also called: FH IV; ALDOSTERONISM, PRIMARY, AND HYPERTENSION. Identifiers: Orphanet 642671, MedGen C4310756, MONDO:0014875, OMIM 617027.

gnomAD v4.1: 3 of 1,593,842 alleles (0.00019%); highest among the groups gnomAD compares: Non-Finnish European, 0.00026%; no homozygotes.

Submission:

Labcorp Genetics (formerly Invitae), Labcorp
Classification: Uncertain significance for Idiopathic generalized epilepsy; Hyperaldosteronism, familial, type IV. Last evaluated: 2022-05-03. Review status: criteria provided, single submitter. Criteria: Invitae Variant Classification Sherloc (09022015). Collection method: clinical testing. Allele origin: germline.
Comment: In summary, the available evidence is currently insufficient to determine the role of this variant in disease. Therefore, it has been classified as a Variant of Uncertain Significance. Algorithms developed to predict the effect of missense changes on protein structure and function (SIFT, PolyPhen-2, Align-GVGD) all suggest that this variant is likely to be disruptive. This variant has not been reported in the literature in individuals affected with CACNA1H-related conditions. This variant is not present in population databases (gnomAD no frequency). This sequence change replaces proline, which is neutral and non-polar, with threonine, which is neutral and polar, at codon 1088 of the CACNA1H protein (p.Pro1088Thr).

NM_021098.3(CACNA1H):c.3262C>A (p.Pro1088Thr)

Gene: CACNA1H (calcium voltage-gated channel subunit alpha1 H; plus strand). Cytogenetic location: 16p13.3.
Variant type: single nucleotide variant.
Coding change: c.3262C>A on transcript NM_021098.3 (MANE Select); coding-DNA position 3262, C replaced by A.
Protein change: p.Pro1088Thr; replaces proline 1088 with threonine.
Molecular consequence: missense variant.
Genome position (GRCh38, 1-based): chr16:1,208,120, C>A. VCF-style: chr16-1208120-C-A. GRCh37 (hg19) VCF-style: chr16-1258120-C-A.
Other names: c.3262C>A, p.Pro1088Thr (NM_001005407.2); short protein forms P1088T.
Identifiers: ClinVar variation 2133261 (VCV002133261.4), dbSNP rs1358707581, ClinGen allele CA394172060.